The following is an entry in ClinVar:

ClinVar aggregate classification (germline): Benign/Likely benign. Review status: criteria provided, multiple submitters, no conflicts (2 of 4 stars). 4 submissions from 4 submitters: Benign (1); Likely benign (2). 1 of the submissions does not count toward it. Last evaluated 2026-01-24.

Conditions:
Joubert syndrome 10 (JBTS10). Identifiers: Orphanet 2754, MedGen C2749019, MONDO:0010431, OMIM 300804.
Orofaciodigital syndrome I (OFD1). Also called: OFDS I; Oral-Facial-Digital Syndrome Type I; Papillon-Leage and Psaume Syndrome. Identifiers: Orphanet 2750, MedGen C1510460, MONDO:0010702, OMIM 311200.
Retinitis pigmentosa 23 (RP23). Identifiers: Orphanet 791, MedGen C1419610, MONDO:0010320, OMIM 300424.
Simpson-Golabi-Behmel syndrome type 2. Identifiers: Orphanet 79022, MedGen C1846175, MONDO:0010265, OMIM 300209.
OFD1-related disorder. Also called: OFD1-related condition.
Joubert syndrome. Also called: JOUBERT-BOLTSHAUSER SYNDROME; Familial aplasia of the vermis. Identifiers: Orphanet 475, MedGen C5979921, MONDO:0018772.

Submissions (4):

Labcorp Genetics (formerly Invitae), Labcorp
Classification: Benign for Orofaciodigital syndrome I; Joubert syndrome. Last evaluated: 2026-01-24. Review status: criteria provided, single submitter. Criteria: Invitae Variant Classification Sherloc (09022015). Collection method: clinical testing. Allele origin: germline.

Blueprint Genetics
Classification: Likely benign. Last evaluated: 2024-11-13. Review status: criteria provided, single submitter. Criteria: ACMG Guidelines, 2015. Collection method: clinical testing. Allele origin: germline.

Fulgent Genetics
Classification: Likely benign for Simpson-Golabi-Behmel syndrome type 2; Retinitis pigmentosa 23; Joubert syndrome 10; Orofaciodigital syndrome I. Last evaluated: 2021-07-26. Review status: criteria provided, single submitter. Criteria: ACMG Guidelines, 2015. Collection method: clinical testing. Allele origin: unknown.

PreventionGenetics, part of Exact Sciences
Classification: Likely benign for OFD1-related condition. Last evaluated: 2021-05-26. Review status: no assertion criteria provided. Collection method: clinical testing. Allele origin: germline. Not counted in ClinVar's aggregate classification.
Comment: This variant is classified as likely benign based on ACMG/AMP sequence variant interpretation guidelines (Richards et al. 2015 PMID: 25741868, with internal and published modifications).

NM_003611.3(OFD1):c.2488+14_2488+19del

Gene: OFD1 (OFD1 centriole and centriolar satellite protein; plus strand). Cytogenetic location: Xp22.2.
Variant type: Deletion.
Coding change: c.2488+14_2488+19del on transcript NM_003611.3 (MANE Select); bases 14 to 19 of the intron after coding-DNA position 2488, 6 bases deleted (TAAATA; older notation c.2488+14_2488+19delTAAATA).
Molecular consequence: intron variant.
Genome position (GRCh38, 1-based): chrX:13,762,458-13,762,463, TAAATA deleted; deleting any 6 consecutive bases within chrX:13,762,453-13,762,463 gives the same sequence; the c. name uses the placement nearest the transcript's 3' end. VCF-style (leftmost placement, unchanged base first): chrX-13762452-CAAATAT-C. GRCh37 (hg19) VCF-style: chrX-13780571-CAAATAT-C.
Other names: c.2488+14_2488+19del6 (NM_003611.2); c.2068+14_2068+19del (NM_001330210.2); c.2368+14_2368+19del (NM_001330209.2).
Identifiers: ClinVar variation 1168272 (VCV001168272.13), dbSNP rs781190242, ClinGen allele CA10352013.